The following is an entry in ClinVar:

NM_002691.4(POLD1):c.3297C>G (p.Phe1099Leu)

Gene: POLD1 (DNA polymerase delta 1, catalytic subunit; plus strand). Cytogenetic location: 19q13.33.
Variant type: single nucleotide variant.
Coding change: c.3297C>G on transcript NM_002691.4 (MANE Select); coding-DNA position 3297, C replaced by G.
Protein change: p.Phe1099Leu; replaces phenylalanine 1099 with leucine.
Molecular consequence: missense variant. On other transcripts: non-coding transcript variant (1).
Genome position (GRCh38, 1-based): chr19:50,417,920, C>G. VCF-style: chr19-50417920-C-G. GRCh37 (hg19) VCF-style: chr19-50921177-C-G.
Other names: c.3297C>G, p.Phe1099Leu (NM_001256849.1); c.3375C>G, p.Phe1125Leu (NM_001308632.1); short protein forms F1125L, F1099L.
Identifiers: ClinVar variation 1043161 (VCV001043161.8), dbSNP rs777958191, ClinGen allele CA406987863.

ClinVar aggregate classification (germline): Uncertain significance (1 of 4 stars; one submission).

Conditions:
POLD1-related polyposis and colorectal cancer syndrome (CRCS10). Also called: Colorectal cancer 10; COLORECTAL CANCER, SUSCEPTIBILITY TO, ON CHROMOSOME 19q; Colorectal cancer, susceptibility to, 10. Identifiers: Orphanet 220460, MedGen C2675481, MONDO:0012953, OMIM 612591.

Submission:

Labcorp Genetics (formerly Invitae), Labcorp
Classification: Uncertain significance for POLD1-related polyposis and colorectal cancer syndrome. Last evaluated: 2023-07-20. Review status: criteria provided, single submitter. Criteria: Invitae Variant Classification Sherloc (09022015). Collection method: clinical testing. Allele origin: germline.
Comment: This sequence change replaces phenylalanine, which is neutral and non-polar, with leucine, which is neutral and non-polar, at codon 1099 of the POLD1 protein (p.Phe1099Leu). This variant is not present in population databases (gnomAD no frequency). In summary, the available evidence is currently insufficient to determine the role of this variant in disease. Therefore, it has been classified as a Variant of Uncertain Significance. Advanced modeling of protein sequence and biophysical properties (such as structural, functional, and spatial information, amino acid conservation, physicochemical variation, residue mobility, and thermodynamic stability) performed at Invitae indicates that this missense variant is not expected to disrupt POLD1 protein function. ClinVar contains an entry for this variant (Variation ID: 1043161). This variant has not been reported in the literature in individuals affected with POLD1-related conditions.